The following is an entry in ClinVar:

NM_206933.4(USH2A):c.7168G>T (p.Gly2390Ter)

Gene: USH2A (usherin; minus strand). Cytogenetic location: 1q41.
Variant type: single nucleotide variant.
Coding change: c.7168G>T on transcript NM_206933.4 (MANE Select); coding-DNA position 7168, G replaced by T.
Protein change: p.Gly2390Ter; replaces glycine 2390 with a stop codon.
Molecular consequence: nonsense.
Genome position (GRCh38, 1-based): chr1:215,934,748, C>A on the plus strand (G>T on the coding strand, the complement: USH2A is on the minus strand). VCF-style: chr1-215934748-C-A. GRCh37 (hg19) VCF-style: chr1-216108090-C-A.
Other names: short protein forms G2390*.
Identifiers: ClinVar variation 1455422 (VCV001455422.12), dbSNP rs376983577, ClinGen allele CA344857854.

ClinVar aggregate classification (germline): Pathogenic/Likely pathogenic. Review status: criteria provided, multiple submitters, no conflicts (2 of 4 stars). 6 submissions from 6 submitters: Pathogenic (4); Likely pathogenic (1). 1 of the submissions does not count toward it. Last evaluated 2024-06-11.

Conditions:
USH2A-related disorder. Also called: USH2A-related disorders; USH2A-related condition. Identifiers: MedGen CN239332.
Usher syndrome type 2A. Also called: RETINAL DISEASE IN USHER SYNDROME TYPE IIA, MODIFIER OF; USHER SYNDROME, TYPE IIA. Identifiers: Orphanet 231178, Orphanet 886, MedGen C1848634, MONDO:0010169, OMIM 276901.
Retinitis pigmentosa 39 (RP39). Identifiers: Orphanet 791, MedGen C3151138, MONDO:0013436, OMIM 613809.
Usher syndrome type 2. Also called: Usher Syndrome Type II. Identifiers: Orphanet 231178, MedGen C0339534, MONDO:0016484.

gnomAD v4.1: 3 of 1,612,608 alleles (0.00019%); highest among the groups gnomAD compares: Non-Finnish European, 0.00025%; no homozygotes.

Submissions (6):

Fulgent Genetics
Classification: Pathogenic for Usher syndrome type 2A; Retinitis pigmentosa 39. Last evaluated: 2024-06-11. Review status: criteria provided, single submitter. Criteria: ACMG Guidelines, 2015. Collection method: clinical testing. Allele origin: germline.

Labcorp Genetics (formerly Invitae), Labcorp
Classification: Pathogenic. Last evaluated: 2024-04-03. Review status: criteria provided, single submitter. Criteria: Invitae Variant Classification Sherloc (09022015). Collection method: clinical testing. Allele origin: germline.
Comment: This sequence change creates a premature translational stop signal (p.Gly2390*) in the USH2A gene. It is expected to result in an absent or disrupted protein product. Loss-of-function variants in USH2A are known to be pathogenic (PMID: 10729113, 10909849, 20507924, 25649381). This variant is not present in population databases (gnomAD no frequency). This premature translational stop signal has been observed in individual(s) with Usher syndrome (PMID: 24944099). ClinVar contains an entry for this variant (Variation ID: 1455422). For these reasons, this variant has been classified as Pathogenic.

Genome-Nilou Lab
Classification: Pathogenic for Usher syndrome type 2A. Last evaluated: 2023-11-04. Review status: criteria provided, single submitter. Criteria: ACMG Guidelines, 2015. Collection method: clinical testing. Allele origin: germline. Affected: no.

GeneDx
Classification: Pathogenic. Last evaluated: 2022-04-18. Review status: criteria provided, single submitter. Criteria: GeneDx Variant Classification Process June 2021. Collection method: clinical testing. Allele origin: germline. Affected: yes.
Comment: Nonsense variant predicted to result in protein truncation or nonsense mediated decay in a gene for which loss of function is a known mechanism of disease; Not observed at significant frequency in large population cohorts (gnomAD); This variant is associated with the following publications: (PMID: 24944099)

Blueprint Genetics
Classification: Likely pathogenic for USH2A-related disorders. Last evaluated: 2020-03-28. Review status: criteria provided, single submitter. Criteria: ACMG Guidelines, 2015. Collection method: clinical testing. Allele origin: germline. Affected: yes. Observed: 1 variant allele.

Ophthalmo-Genetics Lab, Instituto de Oftalmologia Conde de Valenciana
Classification: Pathogenic for Usher syndrome type 2. Last evaluated: 2022-11-14. Review status: no assertion criteria provided. Collection method: clinical testing. Allele origin: de novo, germline. Inheritance: Autosomal recessive inheritance. Affected: yes. Observed: 2 compound heterozygotes. Not counted in ClinVar's aggregate classification.
Comment: Novel pathogenic variant. PVS1, PM2, PP5.

Literature cited by the submitters: PubMed 10729113 (cited by Labcorp Genetics (formerly Invitae), Labcorp); PubMed 10909849 (cited by Labcorp Genetics (formerly Invitae), Labcorp); PubMed 20507924 (cited by Labcorp Genetics (formerly Invitae), Labcorp); PubMed 25649381 (cited by Labcorp Genetics (formerly Invitae), Labcorp); PubMed 24944099 (cited by Labcorp Genetics (formerly Invitae), Labcorp); PubMed 35076463 (cited by Ophthalmo-Genetics Lab, Instituto de Oftalmologia Conde de Valenciana).